The following is an entry in ClinVar:

NM_020778.5(ALPK3):c.4061C>T (p.Ser1354Leu)

Gene: ALPK3 (alpha kinase 3; plus strand). Cytogenetic location: 15q25.3.
Variant type: single nucleotide variant.
Coding change: c.4061C>T on transcript NM_020778.5 (MANE Select); coding-DNA position 4061, C replaced by T.
Protein change: p.Ser1354Leu; replaces serine 1354 with leucine.
Molecular consequence: missense variant.
Genome position (GRCh38, 1-based): chr15:84,859,871, C>T. VCF-style: chr15-84859871-C-T. GRCh37 (hg19) VCF-style: chr15-85403102-C-T.
Other names: c.4667C>T (NM_020778.4); short protein forms S1354L.
Identifiers: ClinVar variation 1480446 (VCV001480446.13), dbSNP rs377340628, ClinGen allele CA7709818.

ClinVar aggregate classification (germline): Conflicting classifications of pathogenicity. Review status: criteria provided, conflicting classifications (1 of 4 stars). 5 submissions from 5 submitters: Uncertain significance (4); Likely benign (1). Last evaluated 2025-10-29.

Conditions:
Cardiovascular phenotype. Identifiers: MedGen CN230736.

Allele frequency attached by ClinVar (database versions not stated): gnomAD 0.00004; ExAC 0.00005; gnomAD exomes 0.00005; TOPMed 0.00006; 1000 Genomes Project 30x 0.00016; 1000 Genomes Project 0.00020; ESP Exome Variant Server 0.00023.
gnomAD v4.1: 40 of 1,614,088 alleles (0.0025%); highest among the groups gnomAD compares: South Asian, 0.0044%; no homozygotes.

Submissions (5):

Labcorp Genetics (formerly Invitae), Labcorp
Classification: Uncertain significance. Last evaluated: 2025-10-29. Review status: criteria provided, single submitter. Criteria: Invitae Variant Classification Sherloc (09022015). Collection method: clinical testing. Allele origin: germline.
Comment: This sequence change replaces serine, which is neutral and polar, with leucine, which is neutral and non-polar, at codon 1556 of the ALPK3 protein (p.Ser1556Leu). This variant is present in population databases (rs377340628, gnomAD 0.008%). This variant has not been reported in the literature in individuals affected with ALPK3-related conditions. ClinVar contains an entry for this variant (Variation ID: 1480446). Invitae Evidence Modeling of protein sequence and biophysical properties (such as structural, functional, and spatial information, amino acid conservation, physicochemical variation, residue mobility, and thermodynamic stability) indicates that this missense variant is expected to disrupt ALPK3 protein function with a positive predictive value of 80%. In summary, the available evidence is currently insufficient to determine the role of this variant in disease. Therefore, it has been classified as a Variant of Uncertain Significance.

Molecular Diagnostic Laboratory for Inherited Cardiovascular Disease, Montreal Heart Institute
Classification: Uncertain significance for Cardiovascular phenotype. Last evaluated: 2025-04-09. Review status: criteria provided, single submitter. Criteria: ACMG Guidelines, 2015. Collection method: clinical testing. Allele origin: germline. Affected: yes.

Ambry Genetics
Classification: Uncertain significance for Cardiovascular phenotype. Last evaluated: 2025-02-04. Review status: criteria provided, single submitter. Criteria: Ambry Variant Classification Scheme 2023. Collection method: clinical testing. Allele origin: germline.
Comment: The p.S1556L variant (also known as c.4667C>T), located in coding exon 8 of the ALPK3 gene, results from a C to T substitution at nucleotide position 4667. The serine at codon 1556 is replaced by leucine, an amino acid with dissimilar properties. This amino acid position is not well conserved in available vertebrate species, and leucine is the reference amino acid in other vertebrate species. In addition, this alteration is predicted to be tolerated by in silico analysis. Since supporting evidence is limited at this time, the clinical significance of this alteration remains unclear.

Blueprint Genetics
Classification: Likely benign. Last evaluated: 2024-10-18. Review status: criteria provided, single submitter. Criteria: ACMG Guidelines, 2015. Collection method: clinical testing. Allele origin: germline.

GeneDx
Classification: Uncertain significance. Last evaluated: 2022-03-29. Review status: criteria provided, single submitter. Criteria: GeneDx Variant Classification Process June 2021. Collection method: clinical testing. Allele origin: germline. Affected: yes.
Comment: Has not been previously published as pathogenic or benign to our knowledge; Not observed at significant frequency in large population cohorts (gnomAD); In silico analysis supports that this missense variant has a deleterious effect on protein structure/function